The following is an entry in ClinVar:

NM_000081.4(LYST):c.9635A>C (p.Glu3212Ala)

Gene: LYST (lysosomal trafficking regulator; minus strand). Cytogenetic location: 1q42.3.
Variant type: single nucleotide variant.
Coding change: c.9635A>C on transcript NM_000081.4 (MANE Select); coding-DNA position 9635, A replaced by C.
Protein change: p.Glu3212Ala; replaces glutamic acid 3212 with alanine.
Molecular consequence: missense variant.
Genome position (GRCh38, 1-based): chr1:235,715,350, T>G on the plus strand (A>C on the coding strand, the complement: LYST is on the minus strand). VCF-style: chr1-235715350-T-G. GRCh37 (hg19) VCF-style: chr1-235878650-T-G.
Other names: c.9635A>C, p.Glu3212Ala (NM_001301365.1); short protein forms E3212A.
Identifiers: ClinVar variation 964724 (VCV000964724.7), dbSNP rs1003187701, ClinGen allele CA39599005.

ClinVar aggregate classification (germline): Uncertain significance. Review status: criteria provided, multiple submitters, no conflicts (2 of 4 stars). 2 submissions from 2 submitters: Uncertain significance (2). Last evaluated 2026-06-25.

Conditions:
LYST-related disorder. Also called: LYST-related condition.
Chédiak-Higashi syndrome (CHS). Also called: Chediak-Higashi Syndrome. Identifiers: Orphanet 167, MedGen C0007965, MONDO:0008963, OMIM 214500.

Allele frequency attached by ClinVar (database versions not stated): TOPMed below 0.00001; gnomAD 0.00001; gnomAD exomes 0.00001.
gnomAD v4.1: 5 of 1,613,694 alleles (0.00031%); highest among the groups gnomAD compares: Non-Finnish European, 0.00034%; no homozygotes.

Submissions (2):

PreventionGenetics, part of Exact Sciences
Classification: Uncertain significance for LYST-related condition. Last evaluated: 2026-06-25. Review status: criteria provided, single submitter. Criteria: ACMG Guidelines, 2015. Collection method: clinical testing. Allele origin: germline.
Comment: The LYST c.9635A>C variant is predicted to result in the amino acid substitution p.Glu3212Ala. To our knowledge, this variant has not been reported in the literature or in a large population database (gnomAD), indicating this variant is rare. At this time, the clinical significance of this variant is uncertain due to the absence of conclusive functional and genetic evidence.

Labcorp Genetics (formerly Invitae), Labcorp
Classification: Uncertain significance for Chédiak-Higashi syndrome. Last evaluated: 2025-01-13. Review status: criteria provided, single submitter. Criteria: Invitae Variant Classification Sherloc (09022015). Collection method: clinical testing. Allele origin: germline.
Comment: This sequence change replaces glutamic acid, which is acidic and polar, with alanine, which is neutral and non-polar, at codon 3212 of the LYST protein (p.Glu3212Ala). This variant is not present in population databases (gnomAD no frequency). This variant has not been reported in the literature in individuals affected with LYST-related conditions. ClinVar contains an entry for this variant (Variation ID: 964724). Invitae Evidence Modeling of protein sequence and biophysical properties (such as structural, functional, and spatial information, amino acid conservation, physicochemical variation, residue mobility, and thermodynamic stability) indicates that this missense variant is expected to disrupt LYST protein function with a positive predictive value of 80%. In summary, the available evidence is currently insufficient to determine the role of this variant in disease. Therefore, it has been classified as a Variant of Uncertain Significance.